The following is an entry in ClinVar:

NM_001353345.2(SETD1B):c.4096C>A (p.Leu1366Ile)

Gene: SETD1B (SET domain containing 1B, histone lysine methyltransferase; plus strand). Cytogenetic location: 12q24.31.
Variant type: single nucleotide variant.
Coding change: c.4096C>A on transcript NM_001353345.2 (MANE Select); coding-DNA position 4096, C replaced by A.
Protein change: p.Leu1366Ile; replaces leucine 1366 with isoleucine.
Molecular consequence: missense variant.
Genome position (GRCh38, 1-based): chr12:121,822,675, C>A. VCF-style: chr12-121822675-C-A. GRCh37 (hg19) VCF-style: chr12-122260581-C-A.
Other names: NM_015048.1:c.3967C>A; short protein forms L1366I.
Identifiers: ClinVar variation 3911006 (VCV003911006.7).

ClinVar aggregate classification (germline): Likely benign. Review status: criteria provided, multiple submitters, no conflicts (2 of 4 stars). 4 submissions from 4 submitters: Likely benign (4). Last evaluated 2026-04-01.

Conditions:
Inborn genetic diseases. Identifiers: MedGen C0950123, MeSH D030342.

gnomAD v4.1: 102 of 1,544,800 alleles (0.0066%); highest among the groups gnomAD compares: Non-Finnish European, 0.0084%; 1 homozygote.

Submissions (4):

CeGaT Center for Human Genetics Tuebingen
Classification: Likely benign. Last evaluated: 2026-04-01. Review status: criteria provided, single submitter. Criteria: CeGaT Center For Human Genetics Tuebingen Variant Classification Criteria Version 2. Collection method: clinical testing. Allele origin: germline. Affected: yes. Observed: 2 variant alleles.
Comment: SETD1B: BP4, BS2

Ambry Genetics
Classification: Likely benign for Inborn genetic diseases. Last evaluated: 2025-06-07. Review status: criteria provided, single submitter. Criteria: Ambry Variant Classification Scheme 2023. Collection method: clinical testing. Allele origin: germline.

Laboratory of Genetics, Children's Clinical University Hospital Latvia
Classification: Likely benign. Last evaluated: 2025-02-16. Review status: criteria provided, single submitter. Criteria: ACMG Guidelines, 2015. Collection method: clinical testing. Allele origin: germline. Affected: yes.

Blueprint Genetics
Classification: Likely benign. Last evaluated: 2024-10-11. Review status: criteria provided, single submitter. Criteria: ACMG Guidelines, 2015. Collection method: clinical testing. Allele origin: germline.